The following is an entry in ClinVar:

NM_001017922.2(ERMAP):c.789A>G (p.Gly263=)

Genes: ZNF691-DT (ZNF691 divergent transcript; minus strand), ERMAP (erythroblast membrane associated protein (Scianna blood group); plus strand). Cytogenetic location: 1p34.2.
Variant type: single nucleotide variant.
Coding change: c.789A>G on transcript NM_001017922.2 (MANE Select); coding-DNA position 789, A replaced by G.
Protein change: p.Gly263=; no amino-acid change (glycine 263 retained).
Molecular consequence: synonymous variant.
Genome position (GRCh38, 1-based): chr1:42,842,593, A>G. VCF-style: chr1-42842593-A-G. GRCh37 (hg19) VCF-style: chr1-43308264-A-G.
Other names: c.789A>G, p.Gly263= (NM_018538.4).
Identifiers: ClinVar variation 3043285 (VCV003043285.2), dbSNP rs2524765993, ClinGen allele CA417403210.

ClinVar aggregate classification (germline): Likely benign (0 of 4 stars; one submission).

Conditions:
ERMAP-related disorder. Also called: ERMAP-related condition.

Submission:

PreventionGenetics, part of Exact Sciences
Classification: Likely benign for ERMAP-related condition. Last evaluated: 2019-06-27. Review status: no assertion criteria provided. Collection method: clinical testing. Allele origin: germline.
Comment: This variant is classified as likely benign based on ACMG/AMP sequence variant interpretation guidelines (Richards et al. 2015 PMID: 25741868, with internal and published modifications).